The following is an entry in ClinVar:

ClinVar aggregate classification (germline): Uncertain significance (1 of 4 stars; one submission).

Submission:

Dasa
Classification: Uncertain significance. Last evaluated: 2025-09-18. Review status: criteria provided, single submitter. Criteria: DASA Assertion Criteria. Collection method: clinical testing. Allele origin: germline.
Comment: NM_001330360.2(POLA1):c.1200+5A>G is a splice-region variant. This variant is rare in population databases. Computational prediction algorithms are consistent with a benign effect. The currently available literature and clinical evidence are not sufficient to establish a definitive association between this variant and the reported condition. Therefore, this variant is classified as a variant of uncertain significance.

NM_001330360.2(POLA1):c.1200+5A>G

Gene: POLA1 (DNA polymerase alpha 1, catalytic subunit; plus strand). Cytogenetic location: Xp22.11.
Variant type: single nucleotide variant.
Coding change: c.1200+5A>G on transcript NM_001330360.2 (MANE Select); 5 bases into the intron after coding-DNA position 1200, A replaced by G.
Molecular consequence: intron variant.
Genome position (GRCh38, 1-based): chrX:24,723,272, A>G. VCF-style: chrX-24723272-A-G. GRCh37 (hg19) VCF-style: chrX-24741389-A-G.
Other names: c.1200+5A>G (NM_001440806.1, NM_001378303.1); c.1182+5A>G (NM_016937.4).
Identifiers: ClinVar variation 4856880 (VCV004856880.2).